The following is an entry in ClinVar:

NM_001276270.2(MBD4):c.484G>C (p.Ala162Pro)

Gene: MBD4 (methyl-CpG binding domain 4, DNA glycosylase; minus strand). Cytogenetic location: 3q21.3.
Variant type: single nucleotide variant.
Coding change: c.484G>C on transcript NM_001276270.2 (MANE Select); coding-DNA position 484, G replaced by C.
Protein change: p.Ala162Pro; replaces alanine 162 with proline.
Molecular consequence: missense variant. On other transcripts: intron variant (1).
Genome position (GRCh38, 1-based): chr3:129,437,160, C>G on the plus strand (G>C on the coding strand, the complement: MBD4 is on the minus strand). VCF-style: chr3-129437160-C-G. GRCh37 (hg19) VCF-style: chr3-129156003-C-G.
Other names: c.484G>C, p.Ala162Pro (NM_001276271.2, NM_001276272.2, NM_003925.3); c.247+648G>C (NM_001276273.2); short protein forms A162P.
Identifiers: ClinVar variation 3870936 (VCV003870936.1).
Genomic context (GRCh38, chr3:129,437,160, plus strand): 5'-TTCGGGTCCTGAGGTTCCAGTTTGAATTGTTACTTTGGTTTTGTAGATGGGATGTCAGGG[C>G]TGCCATGCTGCAGTCTTTATATCTTGACTTGATACCCCTTTTAGAAAGTACAGTAAAATC-3'
Protein context (NP_001263199.1, residues 152-172): KSRYKDCSMA[Ala162Pro]LTSHLQNQSN

ClinVar aggregate classification (germline): Uncertain significance (1 of 4 stars; one submission).

Conditions:
Inborn genetic diseases. Identifiers: MedGen C0950123, MeSH D030342.

Submission:

Ambry Genetics
Classification: Uncertain significance for Inborn genetic diseases. Last evaluated: 2025-02-15. Review status: criteria provided, single submitter. Criteria: Ambry Variant Classification Scheme 2023. Collection method: clinical testing. Allele origin: germline.
Comment: The p.A162P variant (also known as c.484G>C), located in coding exon 3 of the MBD4 gene, results from a G to C substitution at nucleotide position 484. The alanine at codon 162 is replaced by proline, an amino acid with highly similar properties. This amino acid position is conserved. In addition, this alteration is predicted to be tolerated by in silico analysis. Based on the available evidence, the clinical significance of this variant remains unclear.